The following is an entry in ClinVar:

NM_000038.6(APC):c.1049C>G (p.Ser350Cys)

Gene: APC (APC regulator of Wnt signaling pathway; plus strand). Cytogenetic location: 5q22.2.
Variant type: single nucleotide variant.
Coding change: c.1049C>G on transcript NM_000038.6 (MANE Select); coding-DNA position 1049, C replaced by G.
Protein change: p.Ser350Cys; replaces serine 350 with cysteine.
Molecular consequence: missense variant. On other transcripts: intron variant (4).
Genome position (GRCh38, 1-based): chr5:112,819,081, C>G. VCF-style: chr5-112819081-C-G. GRCh37 (hg19) VCF-style: chr5-112154778-C-G.
Other names: c.1049C>G, p.Ser350Cys (NM_001127510.3, NM_001354895.2, NM_001354896.2 and 4 more transcripts); c.995C>G, p.Ser332Cys (NM_001127511.3); c.1079C>G, p.Ser360Cys (NM_001354897.2, NM_001407446.1); c.974C>G, p.Ser325Cys (NM_001354898.2, NM_001407451.1); c.965C>G, p.Ser322Cys (NM_001354899.2, NM_001407452.1); c.872C>G, p.Ser291Cys (NM_001354900.2, NM_001354901.2, NM_001407453.1); c.200C>G, p.Ser67Cys (NM_001354906.2, NM_001407470.1); c.964-188C>G (NM_001354902.2); and 3 more; short protein forms S332C, S322C, S360C, S350C, S291C, S325C, S67C.
Identifiers: ClinVar variation 2012808 (VCV002012808.4), dbSNP rs2149780428, ClinGen allele CA16023609.

ClinVar aggregate classification (germline): Uncertain significance (1 of 4 stars; one submission).

Conditions:
Familial adenomatous polyposis 1 (FAP1). Also called: FAMILIAL ADENOMATOUS POLYPOSIS 1, ATTENUATED; POLYPOSIS, ADENOMATOUS INTESTINAL. Identifiers: MedGen C2713442, MONDO:0021056, OMIM 175100. Disease mechanism: loss of function.

Allele frequency attached by ClinVar (database versions not stated): gnomAD exomes below 0.00001.
gnomAD v4.1: 1 of 1,614,114 alleles (0.000062%); highest among the groups gnomAD compares: East Asian, 0.0022%; no homozygotes.

Submission:

Labcorp Genetics (formerly Invitae), Labcorp
Classification: Uncertain significance for Familial adenomatous polyposis 1. Last evaluated: 2022-07-01. Review status: criteria provided, single submitter. Criteria: Invitae Variant Classification Sherloc (09022015). Collection method: clinical testing. Allele origin: germline.
Comment: Algorithms developed to predict the effect of missense changes on protein structure and function are either unavailable or do not agree on the potential impact of this missense change (SIFT: "Deleterious"; PolyPhen-2: "Probably Damaging"; Align-GVGD: "Class C0"). This variant has not been reported in the literature in individuals affected with APC-related conditions. This variant is not present in population databases (gnomAD no frequency). This sequence change replaces serine, which is neutral and polar, with cysteine, which is neutral and slightly polar, at codon 350 of the APC protein (p.Ser350Cys). In summary, the available evidence is currently insufficient to determine the role of this variant in disease. Therefore, it has been classified as a Variant of Uncertain Significance.